The following is an entry in ClinVar:

NM_015346.4(ZFYVE26):c.2974T>G (p.Leu992Val)

Gene: ZFYVE26 (zinc finger FYVE-type containing 26; minus strand). Cytogenetic location: 14q24.1.
Variant type: single nucleotide variant.
Coding change: c.2974T>G on transcript NM_015346.4 (MANE Select); coding-DNA position 2974, T replaced by G.
Protein change: p.Leu992Val; replaces leucine 992 with valine.
Molecular consequence: missense variant.
Genome position (GRCh38, 1-based): chr14:67,789,380, A>C on the plus strand (T>G on the coding strand, the complement: ZFYVE26 is on the minus strand). VCF-style: chr14-67789380-A-C. GRCh37 (hg19) VCF-style: chr14-68256097-A-C.
Other names: c.2974T>G (NM_015346.3); short protein forms L992V.
Identifiers: ClinVar variation 1478642 (VCV001478642.8), dbSNP rs779865214, ClinGen allele CA7240141.

ClinVar aggregate classification (germline): Uncertain significance. Review status: criteria provided, multiple submitters, no conflicts (2 of 4 stars). 2 submissions from 2 submitters: Uncertain significance (2). Last evaluated 2025-08-12.

Conditions:
Spastic paraplegia. Identifiers: MedGen C0037772, HP:0001258.
Inborn genetic diseases. Identifiers: MedGen C0950123, MeSH D030342.

Allele frequency attached by ClinVar (database versions not stated): gnomAD exomes below 0.00001 and 0.00002; ExAC 0.00001; gnomAD 0.00001; TOPMed 0.00002.
gnomAD v4.1: 11 of 1,614,114 alleles (0.00068%); highest among the groups gnomAD compares: Admixed American, 0.0017%; no homozygotes.

Submissions (2):

Ambry Genetics
Classification: Uncertain significance for Inborn genetic diseases. Last evaluated: 2025-08-12. Review status: criteria provided, single submitter. Criteria: Ambry Variant Classification Scheme 2023. Collection method: clinical testing. Allele origin: germline.

Labcorp Genetics (formerly Invitae), Labcorp
Classification: Uncertain significance for Spastic paraplegia. Last evaluated: 2025-06-14. Review status: criteria provided, single submitter. Criteria: Invitae Variant Classification Sherloc (09022015). Collection method: clinical testing. Allele origin: germline.
Comment: This sequence change replaces leucine, which is neutral and non-polar, with valine, which is neutral and non-polar, at codon 992 of the ZFYVE26 protein (p.Leu992Val). This variant is present in population databases (rs779865214, gnomAD 0.0009%). This variant has not been reported in the literature in individuals affected with ZFYVE26-related conditions. ClinVar contains an entry for this variant (Variation ID: 1478642). An algorithm developed to predict the effect of missense changes on protein structure and function (PolyPhen-2) suggests that this variant is likely to be tolerated. In summary, the available evidence is currently insufficient to determine the role of this variant in disease. Therefore, it has been classified as a Variant of Uncertain Significance.